The following is an entry in ClinVar:

ClinVar aggregate classification (germline): Conflicting classifications of pathogenicity. Review status: criteria provided, conflicting classifications (1 of 4 stars). 3 submissions from 3 submitters: Likely pathogenic (1); Uncertain significance (1). 1 of the submissions does not count toward it. Last evaluated 2025-02-06.

Conditions:
Hereditary cancer-predisposing syndrome. Also called: Neoplastic Syndromes, Hereditary; Hereditary Cancer Syndrome; Tumor predisposition; Hereditary neoplastic syndrome. Identifiers: Orphanet 140162, MedGen C0027672, MeSH D009386, MONDO:0015356.
Ataxia-telangiectasia syndrome (AT). Also called: LOUIS-BAR SYNDROME; Cerebello-oculocutaneous telangiectasia; Immunodeficiency with ataxia telangiectasia; Ataxia-telangiectasia, complementation group D; AT, COMPLEMENTATION GROUP C; Ataxia-telangiectasia, complementation group E. Identifiers: Orphanet 100, MedGen C0004135, MONDO:0008840, OMIM 208900.

Allele frequency attached by ClinVar (database versions not stated): gnomAD exomes 0.00001; TOPMed below 0.00001; gnomAD 0.00001; ExAC 0.00002.
gnomAD v4.1: 5 of 1,612,498 alleles (0.00031%); highest among the groups gnomAD compares: Non-Finnish European, 0.00042%; no homozygotes.

Submissions (3):

Ambry Genetics
Classification: Likely pathogenic for Hereditary cancer-predisposing syndrome. Last evaluated: 2025-02-06. Review status: criteria provided, single submitter. Criteria: Ambry Variant Classification Scheme 2023. Collection method: clinical testing. Allele origin: germline.
Comment: The c.7914G>T variant (also known as p.W2638C), located in coding exon 52 of the ATM gene, results from a G to T substitution at nucleotide position 7914. The tryptophan at codon 2638 is replaced by cysteine, an amino acid with highly dissimilar properties. This variant is considered to be rare based on population cohorts in the Genome Aggregation Database (gnomAD). This nucleotide position is well conserved in available vertebrate species. In silico splice site analysis predicts that this alteration may weaken the native splice donor site and may result in the creation or strengthening of a novel splice donor site. RNA studies have demonstrated that this alteration results in abnormal splicing in the set of samples tested (Ambry internal data). Based on the majority of available evidence to date, this variant is likely to be pathogenic.

Labcorp Genetics (formerly Invitae), Labcorp
Classification: Uncertain significance for Ataxia-telangiectasia syndrome. Last evaluated: 2022-03-20. Review status: criteria provided, single submitter. Criteria: Invitae Variant Classification Sherloc (09022015). Collection method: clinical testing. Allele origin: germline.
Comment: This sequence change replaces tryptophan, which is neutral and slightly polar, with cysteine, which is neutral and slightly polar, at codon 2638 of the ATM protein (p.Trp2638Cys). This variant is present in population databases (rs758843096, gnomAD 0.002%). This variant has not been reported in the literature in individuals affected with ATM-related conditions. ClinVar contains an entry for this variant (Variation ID: 407514). Advanced modeling of protein sequence and biophysical properties (such as structural, functional, and spatial information, amino acid conservation, physicochemical variation, residue mobility, and thermodynamic stability) performed at Invitae indicates that this missense variant is expected to disrupt ATM protein function. Algorithms developed to predict the effect of sequence changes on RNA splicing suggest that this variant may disrupt the consensus splice site. In summary, the available evidence is currently insufficient to determine the role of this variant in disease. Therefore, it has been classified as a Variant of Uncertain Significance.

Natera, Inc.
Classification: Uncertain significance for Ataxia-telangiectasia. Last evaluated: 2021-08-18. Review status: no assertion criteria provided. Collection method: clinical testing. Allele origin: germline. Not counted in ClinVar's aggregate classification.

NM_000051.4(ATM):c.7914G>T (p.Trp2638Cys)

Genes: ATM (ATM serine/threonine kinase; plus strand), C11orf65 (chromosome 11 open reading frame 65; minus strand). Cytogenetic location: 11q22.3.
Variant type: single nucleotide variant.
Coding change: c.7914G>T on transcript NM_000051.4 (MANE Select); coding-DNA position 7914, G replaced by T.
Protein change: p.Trp2638Cys; replaces tryptophan 2638 with cysteine.
Molecular consequence: missense variant. On other transcripts: intron variant (2).
Genome position (GRCh38, 1-based): chr11:108,332,887, G>T. VCF-style: chr11-108332887-G-T. GRCh37 (hg19) VCF-style: chr11-108203614-G-T.
Other names: c.7914G>T, p.Trp2638Cys (NM_001351834.2); c.641-23816C>A (NM_001330368.2); c.*38+2333C>A (NM_001351110.2); short protein forms W2638C.
Identifiers: ClinVar variation 407514 (VCV000407514.23), dbSNP rs758843096, ClinGen allele CA6266211.